The following is an entry in ClinVar:

NM_004204.5(PIGQ):c.1389A>G (p.Thr463=)

Gene: PIGQ (phosphatidylinositol glycan anchor biosynthesis class Q; plus strand). Cytogenetic location: 16p13.3.
Variant type: single nucleotide variant.
Coding change: c.1389A>G on transcript NM_004204.5 (MANE Select); coding-DNA position 1389, A replaced by G.
Protein change: p.Thr463=; no amino-acid change (threonine 463 retained).
Molecular consequence: synonymous variant.
Genome position (GRCh38, 1-based): chr16:580,236, A>G. VCF-style: chr16-580236-A-G. GRCh37 (hg19) VCF-style: chr16-630236-A-G.
Other names: c.1389A>G, p.Thr463= (NM_148920.4).
Identifiers: ClinVar variation 3389048 (VCV003389048.14).

ClinVar aggregate classification (germline): Likely benign (1 of 4 stars; one submission).

gnomAD v4.1: 1 of 1,612,510 alleles (0.000062%); highest among the groups gnomAD compares: Non-Finnish European, 0.000085%; no homozygotes.

Submission:

CeGaT Center for Human Genetics Tuebingen
Classification: Likely benign. Last evaluated: 2024-09-01. Review status: criteria provided, single submitter. Criteria: CeGaT Center For Human Genetics Tuebingen Variant Classification Criteria Version 2. Collection method: clinical testing. Allele origin: germline. Affected: yes. Observed: 1 variant allele.
Comment: PIGQ: BP4, BP7